The following is an entry in ClinVar:

ClinVar aggregate classification (germline): Likely pathogenic (0 of 4 stars; one submission).

Conditions:
Neuronal ceroid lipofuscinosis 1 (CLN1). Also called: CEROID LIPOFUSCINOSIS, NEURONAL, 1, VARIABLE AGE AT ONSET; PPT1-Related Neuronal Ceroid-Lipofuscinosis. Identifiers: Orphanet 228329, MedGen C1850451, MONDO:0009744, OMIM 256730.

Allele frequency attached by ClinVar (database versions not stated): gnomAD exomes below 0.00001; ExAC 0.00001.
gnomAD v4.1: 1 of 1,612,026 alleles (0.000062%); highest among the groups gnomAD compares: South Asian, 0.0011%; no homozygotes.

Submission:

Juha Muilu Group; Institute for Molecular Medicine Finland (FIMM)
Classification: Likely pathogenic for Ceroid lipofuscinosis neuronal 1. Review status: no assertion criteria provided. Collection method: not provided. Allele origin: unknown.
Comment: FinDis database variant: This variant was not found or characterized by our laboratory, data were collected from public sources: see reference
ClinVar note: Converted during submission from probable-pathogenic to Likely pathogenic.

NM_000310.4(PPT1):c.536+2T>C

Gene: PPT1 (palmitoyl-protein thioesterase 1; minus strand). Cytogenetic location: 1p34.2.
Variant type: single nucleotide variant.
Coding change: c.536+2T>C on transcript NM_000310.4 (MANE Select); the canonical splice donor site of the intron after coding-DNA position 536, T replaced by C.
Molecular consequence: splice donor variant.
Genome position (GRCh38, 1-based): chr1:40,089,408, A>G on the plus strand (T>C on the coding strand, the complement: PPT1 is on the minus strand). VCF-style: chr1-40089408-A-G. GRCh37 (hg19) VCF-style: chr1-40555080-A-G.
Other names: c.227+2T>C (NM_001142604.2); c.536+2T>C (NM_001363695.2).
Identifiers: ClinVar variation 56200 (VCV000056200.2), dbSNP rs386833652, ClinGen allele CA263519.